The following is an entry in ClinVar:

NM_172107.4(KCNQ2):c.1093C>T (p.Arg365Ter)

Gene: KCNQ2 (potassium voltage-gated channel subfamily Q member 2; minus strand). Cytogenetic location: 20q13.33.
Variant type: single nucleotide variant.
Coding change: c.1093C>T on transcript NM_172107.4 (MANE Select); coding-DNA position 1093, C replaced by T.
Protein change: p.Arg365Ter; replaces arginine 365 with a stop codon.
Molecular consequence: nonsense.
Genome position (GRCh38, 1-based): chr20:63,433,834, G>A on the plus strand (C>T on the coding strand, the complement: KCNQ2 is on the minus strand). VCF-style: chr20-63433834-G-A. GRCh37 (hg19) VCF-style: chr20-62065187-G-A.
Other names: c.1093C>T, p.Arg365Ter (NM_004518.6, NM_172106.3, NM_172108.5 and 1 more transcripts); short protein forms R365*.
Identifiers: ClinVar variation 426132 (VCV000426132.14), dbSNP rs1085307463, ClinGen allele CA409651085.

ClinVar aggregate classification (germline): Pathogenic. Review status: criteria provided, multiple submitters, no conflicts (2 of 4 stars). 5 submissions from 5 submitters: Pathogenic (5). Last evaluated 2026-02-16.

Conditions:
Early-infantile DEE. Also called: Early infantile epileptic encephalopathy; Ohtahara syndrome; Early infantile epileptic encephalopathy with suppression bursts. Identifiers: Orphanet 1934, MedGen C0393706, MONDO:0800491.
Seizures, benign familial neonatal, 1. Also called: KCNQ2-Related Benign Familial Neonatal Epilepsy; Seizures, benign neonatal, 1; KCNQ2-Related Self-Limited Familial Neonatal Epilepsy (SLFNE); Benign Neonatal Epilepsy 1. Identifiers: Orphanet 1949, MedGen C3149074, MONDO:0007365, OMIM 121200.

Submissions (5):

GeneDx
Classification: Pathogenic. Last evaluated: 2026-02-16. Review status: criteria provided, single submitter. Criteria: GeneDx Variant Classification Process June 2021. Collection method: clinical testing. Allele origin: germline. Affected: yes.
Comment: Nonsense variant predicted to result in protein truncation or nonsense mediated decay in a gene for which loss of function is a known mechanism of disease; Not observed at significant frequency in large population cohorts (gnomAD); This variant is associated with the following publications: (PMID: 31440721)

Clinical Genetics Laboratory, Skane University Hospital Lund
Classification: Pathogenic. Last evaluated: 2023-06-29. Review status: criteria provided, single submitter. Criteria: ACMG Guidelines, 2015. Collection method: clinical testing. Allele origin: germline. Affected: yes.

Labcorp Genetics (formerly Invitae), Labcorp
Classification: Pathogenic for Early-infantile DEE. Last evaluated: 2022-01-13. Review status: criteria provided, single submitter. Criteria: Invitae Variant Classification Sherloc (09022015). Collection method: clinical testing. Allele origin: germline.
Comment: This variant has not been reported in the literature in individuals affected with KCNQ2-related conditions. This variant is not present in population databases (gnomAD no frequency). This sequence change creates a premature translational stop signal (p.Arg365*) in the KCNQ2 gene. It is expected to result in an absent or disrupted protein product. Loss-of-function variants in KCNQ2 are known to be pathogenic (PMID: 14534157, 23692823, 27779742). ClinVar contains an entry for this variant (Variation ID: 426132). For these reasons, this variant has been classified as Pathogenic.

Victorian Clinical Genetics Services, Murdoch Childrens Research Institute
Classification: Pathogenic for Seizures, benign familial neonatal, 1. Last evaluated: 2021-05-06. Review status: criteria provided, single submitter. Criteria: ACMG Guidelines, 2015. Collection method: clinical testing. Allele origin: germline. Inheritance: Autosomal dominant inheritance. Affected: yes.
Comment: Based on the classification scheme VCGS_Germline_v1.3.4, this variant is classified as Pathogenic. Following criteria are met: 0103 - Dominant negative and loss of function are known mechanisms of disease in this gene and are associated with early infantile epileptic encephalopathy, 7 (EIEE) (MIM#613720) and benign neonatal seizures, 1 (MIM#121200). Missense variants have been reported with a dominant negative mechanism (OMIM, PMID 24318194) and in patients with either BNS or EEIE. Truncating variants and those predicted to undergo NMD have been reported to cause loss of function (Decipher) and are almost exclusively found in patients with BNS (PMID: 32917465). (I) 0107 - This gene is associated with autosomal dominant disease. (I) 0112 - The condition associated with this gene has incomplete penetrance, however, this is only reported for patients with BNS (PMID: 25959266). (I) 0201 - Variant is predicted to cause nonsense-mediated decay (NMD) and loss of protein (premature termination codon is located at least 54 nucleotides upstream of the final exon-exon junction). (SP) 0251 - This variant is heterozygous. (I) 0301 - Variant is absent from gnomAD (both v2 and v3). (SP) 0701 - Other NMD-predicted variants comparable to the one identified in this case have very strong previous evidence for pathogenicity. These variants have been reported many times as pathogenic (Decipher), and have been observed in patients with benign neonatal seizures (BNS) (PMID: 23360469, PMID: 32917465). (SP) 0802 - This variant has moderate previous evidence of pathogenicity in unrelated individuals. This variant has been reported multiple times as pathogenic (ClinVar). (SP) 0905 - No published segregation evidence has been identified for this variant. (I) 1007 - No published functional evidence has been identified for this variant. (I) 1102 - Strong phenotype match for this individual. (SP) 1208 - Inheritance information for this variant is not currently available in this individual. (I) Legend: (SP) - Supporting pathogenic, (I) - Information, (SB) - Supporting benign

Cytogénomique, Hospices Civils de Lyon
Classification: Pathogenic for Seizures, benign familial neonatal, 1. Last evaluated: 2017-06-07. Review status: criteria provided, single submitter. Criteria: ACMG Guidelines, 2015. Collection method: clinical testing. Allele origin: unknown. Inheritance: Autosomal dominant inheritance. Affected: yes.

Literature cited by the submitters: PubMed 14534157 (cited by Labcorp Genetics (formerly Invitae), Labcorp); PubMed 23692823 (cited by Labcorp Genetics (formerly Invitae), Labcorp); PubMed 27779742 (cited by Labcorp Genetics (formerly Invitae), Labcorp); PubMed 23360469 (cited by Victorian Clinical Genetics Services, Murdoch Childrens Research Institute); PubMed 24318194 (cited by Victorian Clinical Genetics Services, Murdoch Childrens Research Institute); PubMed 25959266 (cited by Victorian Clinical Genetics Services, Murdoch Childrens Research Institute); PubMed 32917465 (cited by Victorian Clinical Genetics Services, Murdoch Childrens Research Institute).